The following is an entry in ClinVar:

NM_003072.5(SMARCA4):c.632C>T (p.Pro211Leu)

Gene: SMARCA4 (SWI/SNF related BAF chromatin remodeling complex subunit ATPase 4; plus strand). Cytogenetic location: 19p13.2.
Variant type: single nucleotide variant.
Coding change: c.632C>T on transcript NM_003072.5 (MANE Select); coding-DNA position 632, C replaced by T.
Protein change: p.Pro211Leu; replaces proline 211 with leucine.
Molecular consequence: missense variant. On other transcripts: non-coding transcript variant (1).
Genome position (GRCh38, 1-based): chr19:10,986,465, C>T. VCF-style: chr19-10986465-C-T. GRCh37 (hg19) VCF-style: chr19-11097141-C-T.
Other names: c.632C>T, p.Pro211Leu (NM_001128844.3, NM_001128845.2, NM_001128846.2 and 5 more transcripts); short protein forms P211L.
Identifiers: ClinVar variation 470441 (VCV000470441.10), dbSNP rs1046912361, ClinGen allele CA305286812.

ClinVar aggregate classification (germline): Uncertain significance. Review status: criteria provided, multiple submitters, no conflicts (2 of 4 stars). 2 submissions from 2 submitters: Uncertain significance (2). Last evaluated 2025-05-12.

Conditions:
Hereditary cancer-predisposing syndrome. Also called: Hereditary neoplastic syndrome; Neoplastic Syndromes, Hereditary; Tumor predisposition; Hereditary Cancer Syndrome. Identifiers: Orphanet 140162, MedGen C0027672, MeSH D009386, MONDO:0015356.
Rhabdoid tumor predisposition syndrome 2 (RTPS2). Identifiers: Orphanet 231108, Orphanet 69077, MedGen C2750074, MONDO:0013224, OMIM 613325.

Allele frequency attached by ClinVar (database versions not stated): TOPMed below 0.00001; gnomAD exomes 0.00001.
gnomAD v4.1: 3 of 1,556,618 alleles (0.00019%); highest among the groups gnomAD compares: Non-Finnish European, 0.00026%; no homozygotes.

Submissions (2):

Labcorp Genetics (formerly Invitae), Labcorp
Classification: Uncertain significance for Rhabdoid tumor predisposition syndrome 2. Last evaluated: 2025-05-12. Review status: criteria provided, single submitter. Criteria: Invitae Variant Classification Sherloc (09022015). Collection method: clinical testing. Allele origin: germline.
Comment: This sequence change replaces proline, which is neutral and non-polar, with leucine, which is neutral and non-polar, at codon 211 of the SMARCA4 protein (p.Pro211Leu). This variant is not present in population databases (gnomAD no frequency). This variant has not been reported in the literature in individuals affected with SMARCA4-related conditions. ClinVar contains an entry for this variant (Variation ID: 470441). Invitae Evidence Modeling of protein sequence and biophysical properties (such as structural, functional, and spatial information, amino acid conservation, physicochemical variation, residue mobility, and thermodynamic stability) indicates that this missense variant is not expected to disrupt SMARCA4 protein function with a negative predictive value of 95%. In summary, the available evidence is currently insufficient to determine the role of this variant in disease. Therefore, it has been classified as a Variant of Uncertain Significance.

Ambry Genetics
Classification: Uncertain significance for Hereditary cancer-predisposing syndrome. Last evaluated: 2025-01-20. Review status: criteria provided, single submitter. Criteria: Ambry Variant Classification Scheme 2023. Collection method: clinical testing. Allele origin: germline.
Comment: The p.P211L variant (also known as c.632C>T), located in coding exon 3 of the SMARCA4 gene, results from a C to T substitution at nucleotide position 632. The proline at codon 211 is replaced by leucine, an amino acid with similar properties. This amino acid position is highly conserved in available vertebrate species. In addition, the in silico prediction for this alteration is inconclusive. This variant was detected in multiple individuals with no reported features of Coffin-Siris syndrome (Ambry internal data). Based on the supporting evidence, the association of this alteration with rhabdoid tumor predisposition syndrome is unknown; however, the association of this alteration with Coffin-Siris syndrome is unlikely.